The following is an entry in ClinVar:

NM_001365951.3(KIF1B):c.4099A>G (p.Asn1367Asp)

Gene: KIF1B (kinesin family member 1B; plus strand). Cytogenetic location: 1p36.22.
Variant type: single nucleotide variant.
Coding change: c.4099A>G on transcript NM_001365951.3 (MANE Select); coding-DNA position 4099, A replaced by G.
Protein change: p.Asn1367Asp; replaces asparagine 1367 with aspartic acid.
Molecular consequence: missense variant.
Genome position (GRCh38, 1-based): chr1:10,360,972, A>G. VCF-style: chr1-10360972-A-G. GRCh37 (hg19) VCF-style: chr1-10421030-A-G.
Other names: c.4099A>G, p.Asn1367Asp (NM_001365952.1); c.3961A>G, p.Asn1321Asp (NM_015074.3); short protein forms N1321D, N1367D.
Identifiers: ClinVar variation 1736524 (VCV001736524.3), dbSNP rs1361959735, ClinGen allele CA338316031.

ClinVar aggregate classification (germline): Uncertain significance (1 of 4 stars; one submission).

Allele frequency attached by ClinVar (database versions not stated): gnomAD exomes below 0.00001; TOPMed below 0.00001.
gnomAD v4.1: 6 of 1,614,064 alleles (0.00037%); highest among the groups gnomAD compares: Non-Finnish European, 0.00051%; no homozygotes.

Submission:

Ambry Genetics
Classification: Uncertain significance. Last evaluated: 2023-08-29. Review status: criteria provided, single submitter. Criteria: Ambry Variant Classification Scheme 2023. Collection method: clinical testing. Allele origin: germline.
Comment: The p.N1321D variant (also known as c.3961A>G), located in coding exon 36 of the KIF1B gene, results from an A to G substitution at nucleotide position 3961. The asparagine at codon 1321 is replaced by aspartic acid, an amino acid with highly similar properties. This amino acid position is conserved. In addition, the in silico prediction for this alteration is inconclusive. Since supporting evidence is limited at this time, the clinical significance of this alteration remains unclear.